The following is an entry in ClinVar:

ClinVar aggregate classification (germline): Conflicting classifications of pathogenicity. Review status: criteria provided, conflicting classifications (1 of 4 stars). 3 submissions from 3 submitters: Likely pathogenic (2); Uncertain significance (1). Last evaluated 2022-07-03.

Conditions:
Seckel syndrome 2 (SCKL2). Also called: SECKEL-TYPE DWARFISM 2; MICROCEPHALIC PRIMORDIAL DWARFISM 2. Identifiers: Orphanet 808, MedGen C1847572, MONDO:0011715, OMIM 606744.
Jawad syndrome (JWDS). Also called: KELLY SYNDROME; MICROCEPHALY WITH IMPAIRED INTELLECTUAL DEVELOPMENT AND DIGITAL ANOMALIES. Identifiers: Orphanet 313795, MedGen C0796063, MONDO:0009622, OMIM 251255.

Allele frequency attached by ClinVar (database versions not stated): gnomAD below 0.00001 and 0.00001; gnomAD exomes 0.00001 and 0.00002.
gnomAD v4.1: 10 of 1,610,904 alleles (0.00062%); highest among the groups gnomAD compares: East Asian, 0.0089%; no homozygotes.

Submissions (3):

Labcorp Genetics (formerly Invitae), Labcorp
Classification: Uncertain significance. Last evaluated: 2022-07-03. Review status: criteria provided, single submitter. Criteria: Invitae Variant Classification Sherloc (09022015). Collection method: clinical testing. Allele origin: germline.
Comment: In summary, the available evidence is currently insufficient to determine the role of this variant in disease. Therefore, it has been classified as a Variant of Uncertain Significance. ClinVar contains an entry for this variant (Variation ID: 424290). This variant has not been reported in the literature in individuals affected with RBBP8-related conditions. This variant is present in population databases (no rsID available, gnomAD 0.02%). This sequence change creates a premature translational stop signal (p.Arg839*) in the RBBP8 gene. It is expected to result in an absent or disrupted protein product. However, the current clinical and genetic evidence is not sufficient to establish whether loss-of-function variants in RBBP8 cause disease.

GeneDx
Classification: Likely pathogenic. Last evaluated: 2017-03-18. Review status: criteria provided, single submitter. Criteria: GeneDx Variant Classification (06012015). Collection method: clinical testing. Allele origin: germline. Affected: yes.
Comment: A variant that is likely pathogenic has been identified in the RBBP8 gene. The R839X variant has not been published as a pathogenic variant, nor has it been reported as a benign variant to our knowledge. The R839X variant is not observed in large population cohorts (Lek et al., 2016; 1000 Genomes Consortium et al., 2015; Exome Variant Server). The R839X nonsense variant is predicted to cause loss of normal protein function either through protein truncation or nonsense-mediated mRNA decay. Therefore, this variant is likely pathogenic; however, the possibility that it is benign cannot be excluded.

Juno Genomics, Hangzhou Juno Genomics, Inc
Classification: Likely pathogenic for Jawad syndrome; Seckel syndrome 2. Review status: criteria provided, single submitter. Criteria: ACMG Guidelines, 2015. Collection method: clinical testing. Allele origin: germline.
Comment: Null variant in a gene where loss of function (LOF) is a known mechanism of disease.;Absent from controls (or at extremely low frequency if recessive) in Genome Aggregation Database.

NM_002894.3(RBBP8):c.2515C>T (p.Arg839Ter)

Gene: RBBP8 (RB binding protein 8, endonuclease; plus strand). Cytogenetic location: 18q11.2.
Variant type: single nucleotide variant.
Coding change: c.2515C>T on transcript NM_002894.3 (MANE Select); coding-DNA position 2515, C replaced by T.
Protein change: p.Arg839Ter; replaces arginine 839 with a stop codon.
Molecular consequence: nonsense. On other transcripts: synonymous variant (1).
Genome position (GRCh38, 1-based): chr18:23,022,189, C>T. VCF-style: chr18-23022189-C-T. GRCh37 (hg19) VCF-style: chr18-20602152-C-T.
Other names: c.2515C>T, p.Arg839Ter (NM_203291.2); c.2418C>T, p.Thr806= (NM_203292.2); short protein forms R839*.
Identifiers: ClinVar variation 424290 (VCV000424290.9), dbSNP rs1064796899, ClinGen allele CA16620666.
Genomic context (GRCh38, chr18:23,022,189, plus strand): 5'-TATTATGCAGATATGCCAGCAGAAGAAAGAGAAAAGAAATTGGCTTCCTGCTCAAGACAC[C>T]GATTCCGCTACATTCCACCCAACACACCAGAGAATTTTTGGGAAGTTGGTTTTCCTTCCA-3'